The following is an entry in ClinVar:

ClinVar aggregate classification (germline): Uncertain significance. Review status: criteria provided, multiple submitters, no conflicts (2 of 4 stars). 2 submissions from 2 submitters: Uncertain significance (2). Last evaluated 2024-05-16.

Conditions:
Inborn genetic diseases. Identifiers: MedGen C0950123, MeSH D030342.

Allele frequency attached by ClinVar (database versions not stated): TOPMed 0.00001; gnomAD exomes 0.00002.

Submissions (2):

Labcorp Genetics (formerly Invitae), Labcorp
Classification: Uncertain significance. Last evaluated: 2024-05-16. Review status: criteria provided, single submitter. Criteria: Invitae Variant Classification Sherloc (09022015). Collection method: clinical testing. Allele origin: germline.
Comment: This sequence change replaces proline, which is neutral and non-polar, with serine, which is neutral and polar, at codon 22 of the SLC12A2 protein (p.Pro22Ser). This variant is not present in population databases (gnomAD no frequency). This variant has not been reported in the literature in individuals affected with SLC12A2-related conditions. Advanced modeling of protein sequence and biophysical properties (such as structural, functional, and spatial information, amino acid conservation, physicochemical variation, residue mobility, and thermodynamic stability) performed at Invitae indicates that this missense variant is not expected to disrupt SLC12A2 protein function with a negative predictive value of 95%. In summary, the available evidence is currently insufficient to determine the role of this variant in disease. Therefore, it has been classified as a Variant of Uncertain Significance.

Ambry Genetics
Classification: Uncertain significance for Inborn genetic diseases. Last evaluated: 2023-11-09. Review status: criteria provided, single submitter. Criteria: Ambry Variant Classification Scheme 2023. Collection method: clinical testing. Allele origin: germline.

NM_001046.3(SLC12A2):c.64C>T (p.Pro22Ser)

Genes: SLC12A2 (solute carrier family 12 member 2; plus strand), LOC129994526 (ATAC-STARR-seq lymphoblastoid silent region 16295; plus strand). Cytogenetic location: 5q23.3.
Variant type: single nucleotide variant.
Coding change: c.64C>T on transcript NM_001046.3 (MANE Select); coding-DNA position 64, C replaced by T.
Protein change: p.Pro22Ser; replaces proline 22 with serine.
Molecular consequence: missense variant. On other transcripts: non-coding transcript variant (1).
Genome position (GRCh38, 1-based): chr5:128,084,018, C>T. VCF-style: chr5-128084018-C-T. GRCh37 (hg19) VCF-style: chr5-127419710-C-T.
Other names: c.64C>T, p.Pro22Ser (NM_001256461.2); short protein forms P22S.
Identifiers: ClinVar variation 3162831 (VCV003162831.3), dbSNP rs1759930102, ClinGen allele CA360735734.